The following is an entry in ClinVar:

NM_002230.4(JUP):c.401A>T (p.Gln134Leu)

Gene: JUP (junction plakoglobin; minus strand). Cytogenetic location: 17q21.2.
Variant type: single nucleotide variant.
Coding change: c.401A>T on transcript NM_002230.4 (MANE Select); coding-DNA position 401, A replaced by T.
Protein change: p.Gln134Leu; replaces glutamine 134 with leucine.
Molecular consequence: missense variant.
Genome position (GRCh38, 1-based): chr17:41,769,485, T>A on the plus strand (A>T on the coding strand, the complement: JUP is on the minus strand). VCF-style: chr17-41769485-T-A. GRCh37 (hg19) VCF-style: chr17-39925737-T-A.
Other names: c.401A>T, p.Gln134Leu (NM_001352773.2, NM_001352774.2, NM_001352775.2 and 3 more transcripts); short protein forms Q134L.
Identifiers: ClinVar variation 2093959 (VCV002093959.4), dbSNP rs1057518313, ClinGen allele CA399505047.

ClinVar aggregate classification (germline): Uncertain significance (1 of 4 stars; one submission).

Conditions:
Naxos disease (NXD). Also called: CARDIOMYOPATHY, ARRHYTHMOGENIC RIGHT VENTRICULAR, WITH SKIN, HAIR, AND NAIL ABNORMALITIES; KERATOSIS PALMOPLANTARIS WITH ARRHYTHMOGENIC CARDIOMYOPATHY; MAL DE NAXOS; PALMOPLANTAR KERATODERMA WITH ARRHYTHMOGENIC RIGHT VENTRICULAR CARDIOMYOPATHY AND WOOLLY HAIR; WOOLLY HAIR, PALMOPLANTAR KERATODERMA, AND CARDIAC ABNORMALITIES. Identifiers: Orphanet 34217, MedGen C1832600, MONDO:0011017, OMIM 601214.
Arrhythmogenic right ventricular dysplasia 12. Also called: ARRHYTHMOGENIC RIGHT VENTRICULAR DYSPLASIA, FAMILIAL, 12. Identifiers: MedGen C1969081, MONDO:0012684, OMIM 611528.

Allele frequency attached by ClinVar (database versions not stated): TOPMed below 0.00001.
gnomAD v4.1: 1 of 1,613,188 alleles (0.000062%); highest among the groups gnomAD compares: Non-Finnish European, 0.000085%; no homozygotes.

Submission:

Labcorp Genetics (formerly Invitae), Labcorp
Classification: Uncertain significance for Arrhythmogenic right ventricular dysplasia 12; Naxos disease. Last evaluated: 2022-02-06. Review status: criteria provided, single submitter. Criteria: Invitae Variant Classification Sherloc (09022015). Collection method: clinical testing. Allele origin: germline.
Comment: In summary, the available evidence is currently insufficient to determine the role of this variant in disease. Therefore, it has been classified as a Variant of Uncertain Significance. Algorithms developed to predict the effect of missense changes on protein structure and function are either unavailable or do not agree on the potential impact of this missense change (SIFT: "Deleterious"; PolyPhen-2: "Possibly Damaging"; Align-GVGD: "Class C0"). This variant has not been reported in the literature in individuals affected with JUP-related conditions. This variant is not present in population databases (gnomAD no frequency). This sequence change replaces glutamine, which is neutral and polar, with leucine, which is neutral and non-polar, at codon 134 of the JUP protein (p.Gln134Leu).